The following is an entry in ClinVar:

ClinVar aggregate classification (germline): Uncertain significance. Review status: criteria provided, multiple submitters, no conflicts (2 of 4 stars). 2 submissions from 2 submitters: Uncertain significance (2). Last evaluated 2025-11-27.

Conditions:
Cardiovascular phenotype. Identifiers: MedGen CN230736.
Myofibrillar myopathy 4. Also called: Zaspopathy (type). Identifiers: Orphanet 98912, MedGen C4721886, MONDO:0012277, OMIM 609452.

Allele frequency attached by ClinVar (database versions not stated): gnomAD exomes below 0.00001 and 0.00002; gnomAD 0.00001; TOPMed 0.00001.

Submissions (2):

Ambry Genetics
Classification: Uncertain significance for Cardiovascular phenotype. Last evaluated: 2025-11-27. Review status: criteria provided, single submitter. Criteria: Ambry Variant Classification Scheme 2023. Collection method: clinical testing. Allele origin: germline.

Labcorp Genetics (formerly Invitae), Labcorp
Classification: Uncertain significance for Myofibrillar myopathy 4. Last evaluated: 2022-06-03. Review status: criteria provided, single submitter. Criteria: Invitae Variant Classification Sherloc (09022015). Collection method: clinical testing. Allele origin: germline.
Comment: This sequence change replaces serine, which is neutral and polar, with cysteine, which is neutral and slightly polar, at codon 90 of the LDB3 protein (p.Ser90Cys). This variant is present in population databases (rs765975330, gnomAD 0.0009%). This variant has not been reported in the literature in individuals affected with LDB3-related conditions. ClinVar contains an entry for this variant (Variation ID: 955368). Algorithms developed to predict the effect of missense changes on protein structure and function are either unavailable or do not agree on the potential impact of this missense change (SIFT: "Deleterious"; PolyPhen-2: "Possibly Damaging"; Align-GVGD: "Class C0"). In summary, the available evidence is currently insufficient to determine the role of this variant in disease. Therefore, it has been classified as a Variant of Uncertain Significance.

NM_007078.3(LDB3):c.269C>G (p.Ser90Cys)

Gene: LDB3 (LIM domain binding 3; plus strand). Cytogenetic location: 10q23.2.
Variant type: single nucleotide variant.
Coding change: c.269C>G on transcript NM_007078.3 (MANE Select); coding-DNA position 269, C replaced by G.
Protein change: p.Ser90Cys; replaces serine 90 with cysteine.
Molecular consequence: missense variant.
Genome position (GRCh38, 1-based): chr10:86,680,105, C>G. VCF-style: chr10-86680105-C-G. GRCh37 (hg19) VCF-style: chr10-88439862-C-G.
Other names: c.269C>G, p.Ser90Cys (NM_001080114.2, NM_001080115.2, NM_001171610.2 and 8 more transcripts); c.269C>G (NM_007078.2); short protein forms S90C.
Identifiers: ClinVar variation 955368 (VCV000955368.11), dbSNP rs765975330, ClinGen allele CA211210307.